The following is an entry in ClinVar:

ClinVar aggregate classification (germline): Uncertain significance (1 of 4 stars; one submission).

Conditions:
Inborn genetic diseases. Identifiers: MedGen C0950123, MeSH D030342.

gnomAD v4.1: 58 of 1,613,378 alleles (0.0036%); highest among the groups gnomAD compares: Non-Finnish European, 0.0047%; no homozygotes.

Submission:

Ambry Genetics
Classification: Uncertain significance for Inborn genetic diseases. Last evaluated: 2025-11-03. Review status: criteria provided, single submitter. Criteria: Ambry Variant Classification Scheme 2023. Collection method: clinical testing. Allele origin: germline.
Comment: The c.9564A>G (p.I3188M) alteration is located in exon 23 (coding exon 23) of the ASPM gene. This alteration results from a A to G substitution at nucleotide position 9564, causing the isoleucine (I) at amino acid position 3188 to be replaced by a methionine (M). Based on data from gnomAD, the G allele has an overall frequency of 0.002% (6/282068) total alleles studied. The highest observed frequency was 0.005% (6/128542) of European (non-Finnish) alleles. Based on insufficient or conflicting evidence, the clinical significance of this alteration remains unclear.

NM_018136.5(ASPM):c.9564A>G (p.Ile3188Met)

Gene: ASPM (assembly factor for spindle microtubules; minus strand). Cytogenetic location: 1q31.3.
Variant type: single nucleotide variant.
Coding change: c.9564A>G on transcript NM_018136.5 (MANE Select); coding-DNA position 9564, A replaced by G.
Protein change: p.Ile3188Met; replaces isoleucine 3188 with methionine.
Molecular consequence: missense variant.
Genome position (GRCh38, 1-based): chr1:197,090,922, T>C on the plus strand (A>G on the coding strand, the complement: ASPM is on the minus strand). VCF-style: chr1-197090922-T-C. GRCh37 (hg19) VCF-style: chr1-197060052-T-C.
Other names: c.4809A>G, p.Ile1603Met (NM_001206846.2); short protein forms I1603M, I3188M.
Identifiers: ClinVar variation 4586575 (VCV004586575.1).